The following is an entry in ClinVar:

ClinVar aggregate classification (germline): Conflicting classifications of pathogenicity. Review status: criteria provided, conflicting classifications (1 of 4 stars). 5 submissions from 5 submitters: Uncertain significance (3); Likely benign (2). Last evaluated 2026-03-01.

Conditions:
Primary ciliary dyskinesia 7. Also called: CILIARY DYSKINESIA, PRIMARY, 7, WITH OR WITHOUT SITUS INVERSUS. Identifiers: Orphanet 244, MedGen C2678473, MONDO:0012748, OMIM 611884.
Primary ciliary dyskinesia. Also called: Ciliary dyskinesia. Identifiers: Orphanet 244, MedGen C0008780, MONDO:0016575, HP:0012265.

Allele frequency attached by ClinVar (database versions not stated): TOPMed 0.00020; ESP Exome Variant Server 0.00033.
gnomAD v4.1: 314 of 1,606,842 alleles (0.02%); highest among the groups gnomAD compares: Non-Finnish European, 0.025%; 1 homozygote.

Submissions (5):

CeGaT Center for Human Genetics Tuebingen
Classification: Likely benign. Last evaluated: 2026-03-01. Review status: criteria provided, single submitter. Criteria: CeGaT Center For Human Genetics Tuebingen Variant Classification Criteria Version 2. Collection method: clinical testing. Allele origin: germline. Affected: yes. Observed: 1 variant allele.
Comment: DNAH11: BP4

Labcorp Genetics (formerly Invitae), Labcorp
Classification: Likely benign for Primary ciliary dyskinesia. Last evaluated: 2025-12-07. Review status: criteria provided, single submitter. Criteria: Invitae Variant Classification Sherloc (09022015). Collection method: clinical testing. Allele origin: germline.

GeneDx
Classification: Uncertain significance. Last evaluated: 2025-06-22. Review status: criteria provided, single submitter. Criteria: GeneDx Variant Classification Process June 2021. Collection method: clinical testing. Allele origin: germline. Affected: yes.
Comment: Identified in an individual with primary ciliary dyskinesia who also harbored a likely pathogenic variant in DNAH11, although the phase of these two variants was not determined (PMID: 31879361); In silico analysis supports that this missense variant has a deleterious effect on protein structure/function; This variant is associated with the following publications: (PMID: 31879361)

Blueprint Genetics
Classification: Uncertain significance. Last evaluated: 2024-03-27. Review status: criteria provided, single submitter. Criteria: ACMG Guidelines, 2015. Collection method: clinical testing. Allele origin: germline.

Fulgent Genetics
Classification: Uncertain significance for Primary ciliary dyskinesia 7. Last evaluated: 2022-01-20. Review status: criteria provided, single submitter. Criteria: ACMG Guidelines, 2015. Collection method: clinical testing. Allele origin: unknown.

NM_001277115.2(DNAH11):c.7472G>C (p.Arg2491Pro)

Gene: DNAH11 (dynein axonemal heavy chain 11; plus strand). Cytogenetic location: 7p15.3.
Variant type: single nucleotide variant.
Coding change: c.7472G>C on transcript NM_001277115.2 (MANE Select); coding-DNA position 7472, G replaced by C.
Protein change: p.Arg2491Pro; replaces arginine 2491 with proline.
Molecular consequence: missense variant.
Genome position (GRCh38, 1-based): chr7:21,735,671, G>C. VCF-style: chr7-21735671-G-C. GRCh37 (hg19) VCF-style: chr7-21775289-G-C.
Other names: short protein forms R2491P.
Identifiers: ClinVar variation 947753 (VCV000947753.18), dbSNP rs369438218, ClinGen allele CA4181243.
Genomic context (GRCh38, chr7:21,735,671, plus strand): 5'-TCTTTGTCTCATTCTGTTTCTCCTCCCAGACAGTTCTCGTTCACACAACAGAGACAGCTC[G>C]TCTTAGATATTTCATGGAGTTGTTGCTTGAGAAAGGAAAACCTCTAATGCTAGTAGGAAA-3'
Protein context (NP_001264044.1, residues 2481-2501): TVLVHTTETA[Arg2491Pro]LRYFMELLLE